The following is an entry in ClinVar:

ClinVar aggregate classification (germline): Conflicting classifications of pathogenicity. Review status: criteria provided, conflicting classifications (1 of 4 stars). 2 submissions from 2 submitters: Pathogenic (1); Uncertain significance (1). Last evaluated 2024-07-01.

gnomAD v4.1: 6 of 1,614,122 alleles (0.00037%); highest among the groups gnomAD compares: Non-Finnish European, 0.00051%; no homozygotes.

Submissions (2):

Labcorp Genetics (formerly Invitae), Labcorp
Classification: Pathogenic. Last evaluated: 2024-07-01. Review status: criteria provided, single submitter. Criteria: Invitae Variant Classification Sherloc (09022015). Collection method: clinical testing. Allele origin: germline.
Comment: This sequence change replaces proline, which is neutral and non-polar, with alanine, which is neutral and non-polar, at codon 592 of the CNGA3 protein (p.Pro592Ala). This variant is not present in population databases (gnomAD no frequency). This missense change has been observed in individual(s) with clinical features of CNGA3-related conditions (Invitae). In at least one individual the data is consistent with being in trans (on the opposite chromosome) from a pathogenic variant. Advanced modeling of protein sequence and biophysical properties (such as structural, functional, and spatial information, amino acid conservation, physicochemical variation, residue mobility, and thermodynamic stability) performed at Invitae indicates that this missense variant is expected to disrupt CNGA3 protein function with a positive predictive value of 95%. This variant disrupts the p.Pro592 amino acid residue in CNGA3. Other variant(s) that disrupt this residue have been determined to be pathogenic (Invitae). This suggests that this residue is clinically significant, and that variants that disrupt this residue are likely to be disease-causing. For these reasons, this variant has been classified as Pathogenic.

Blueprint Genetics
Classification: Uncertain significance. Last evaluated: 2017-09-05. Review status: criteria provided, single submitter. Criteria: ACMG Guidelines, 2015. Collection method: clinical testing. Allele origin: germline.

NM_001298.3(CNGA3):c.1774C>G (p.Pro592Ala)

Gene: CNGA3 (cyclic nucleotide gated channel subunit alpha 3; plus strand). Cytogenetic location: 2q11.2.
Variant type: single nucleotide variant.
Coding change: c.1774C>G on transcript NM_001298.3 (MANE Select); coding-DNA position 1774, C replaced by G.
Protein change: p.Pro592Ala; replaces proline 592 with alanine.
Molecular consequence: missense variant.
Genome position (GRCh38, 1-based): chr2:98,396,944, C>G. VCF-style: chr2-98396944-C-G. GRCh37 (hg19) VCF-style: chr2-99013407-C-G.
Other names: c.1720C>G, p.Pro574Ala (NM_001079878.2); short protein forms P592A, P574A.
Identifiers: ClinVar variation 3676112 (VCV003676112.3).
Genomic context (GRCh38, chr2:98,396,944, plus strand): 5'-GGCTACTCAGACCTGTTCTGCCTCTCAAAGGACGATCTCATGGAGGCCCTCACCGAGTAC[C>G]CCGAAGCCAAGAAGGCCCTGGAGGAGAAAGGACGGCAGATCCTGATGAAAGACAACCTGA-3'
Protein context (NP_001289.1, residues 582-602): DDLMEALTEY[Pro592Ala]EAKKALEEKG